The following is an entry in ClinVar:

ClinVar aggregate classification (germline): Likely pathogenic (1 of 4 stars; one submission).

Conditions:
Gastrointestinal stromal tumor. Also called: Gastrointestinal stroma tumor; Gastrointestinal stromal tumor, somatic. Identifiers: Orphanet 44890, MedGen C0238198, MeSH D046152, MONDO:0011719, OMIM 606764, HP:0100723.

Submission:

Labcorp Genetics (formerly Invitae), Labcorp
Classification: Likely pathogenic for Gastrointestinal stromal tumor. Last evaluated: 2021-12-07. Review status: criteria provided, single submitter. Criteria: Invitae Variant Classification Sherloc (09022015). Collection method: clinical testing. Allele origin: germline.
Comment: Algorithms developed to predict the effect of sequence changes on RNA splicing suggest that this variant may disrupt the consensus splice site. In summary, the currently available evidence indicates that the variant is pathogenic, but additional data are needed to prove that conclusively. Therefore, this variant has been classified as Likely Pathogenic. This variant has not been reported in the literature in individuals affected with KIT-related conditions. This variant is not present in population databases (gnomAD no frequency). This sequence change affects a donor splice site in intron 9 of the KIT gene. It is expected to disrupt RNA splicing. Variants that disrupt the donor or acceptor splice site typically lead to a loss of protein function (PMID: 16199547), and loss-of-function variants in KIT are known to be pathogenic (PMID: 15194144).

Literature cited by the submitters: PubMed 16199547; PubMed 15194144.

NM_000222.3(KIT):c.1540+2del

Gene: KIT (KIT proto-oncogene, receptor tyrosine kinase; plus strand). Cytogenetic location: 4q12.
Variant type: Deletion.
Coding change: c.1540+2del on transcript NM_000222.3 (MANE Select); the canonical splice donor site of the intron after coding-DNA position 1540, one base deleted (T; older notation c.1540+2delT).
Molecular consequence: splice donor variant. On other transcripts: intron variant (4).
Genome position (GRCh38, 1-based): chr4:54,726,052, T deleted. VCF-style (leftmost placement, unchanged base first): chr4-54726051-GT-G. GRCh37 (hg19) VCF-style: chr4-55592217-GT-G.
Other names: c.1543+2del (NM_001385284.1, NM_001385290.1); c.1531+14del (NM_001385288.1, NM_001385292.1); c.1540+2del (NM_001385285.1); c.1528+14del (NM_001093772.2, NM_001385286.1).
Identifiers: ClinVar variation 2036388 (VCV002036388.4), dbSNP rs2475537760, ClinGen allele CA2580071131.